The following is an entry in ClinVar:

ClinVar aggregate classification (germline): Likely pathogenic (1 of 4 stars; one submission).

Conditions:
Intellectual developmental disorder with dysmorphic facies and behavioral abnormalities. Identifiers: MedGen C4748135, MONDO:0060760, OMIM 618089.

Submission:

Greenwood Genetic Center Diagnostic Laboratories, Greenwood Genetic Center
Classification: Likely pathogenic for Intellectual developmental disorder with dysmorphic facies and behavioral abnormalities. Last evaluated: 2025-01-08. Review status: criteria provided, single submitter. Criteria: ACMG Guidelines, 2015. Collection method: clinical testing. Allele origin: germline. Affected: yes.
Comment: PS2, PM2, PP2, PP3

NM_001190274.2(FBXO11):c.2200G>A (p.Gly734Ser)

Gene: FBXO11 (F-box protein 11; minus strand). Cytogenetic location: 2p16.3.
Variant type: single nucleotide variant.
Coding change: c.2200G>A on transcript NM_001190274.2 (MANE Select); coding-DNA position 2200, G replaced by A.
Protein change: p.Gly734Ser; replaces glycine 734 with serine.
Molecular consequence: missense variant.
Genome position (GRCh38, 1-based): chr2:47,813,261, C>T on the plus strand (G>A on the coding strand, the complement: FBXO11 is on the minus strand). VCF-style: chr2-47813261-C-T. GRCh37 (hg19) VCF-style: chr2-48040400-C-T.
Other names: c.1948G>A, p.Gly650Ser (NM_001374325.1, NM_025133.4); short protein forms G650S, G734S.
Identifiers: ClinVar variation 4851742 (VCV004851742.1).
Genomic context (GRCh38, chr2:47,813,261, plus strand): 5'-GATTTTTCACTAATGCAAAATTAACAACAATACCTCGACCCCCATTAAATATACAGATGC[C>T]ACCATCTCTTCCATCATGGATTTTATTTCTTCTTAGTGTAGGATTACTATCTGTCTTAAT-3'
Protein context (NP_001177203.1, residues 724-744): RNKIHDGRDG[Gly734Ser]ICIFNGGRGL